The following is an entry in ClinVar:

NM_032119.4(ADGRV1):c.15393A>G (p.Ala5131=)

Gene: ADGRV1 (adhesion G protein-coupled receptor V1; plus strand). Cytogenetic location: 5q14.3.
Variant type: single nucleotide variant.
Coding change: c.15393A>G on transcript NM_032119.4 (MANE Select); coding-DNA position 15393, A replaced by G.
Protein change: p.Ala5131=; no amino-acid change (alanine 5131 retained).
Molecular consequence: synonymous variant. On other transcripts: non-coding transcript variant (1).
Genome position (GRCh38, 1-based): chr5:90,810,653, A>G. VCF-style: chr5-90810653-A-G. GRCh37 (hg19) VCF-style: chr5-90106470-A-G.
Other names: c.15393A>G (NM_032119.3).
Identifiers: ClinVar variation 3012083 (VCV003012083.4), dbSNP rs772403663, ClinGen allele CA3341911.

ClinVar aggregate classification (germline): Likely benign. Review status: criteria provided, multiple submitters, no conflicts (2 of 4 stars). 2 submissions from 2 submitters: Likely benign (2). Last evaluated 2026-03-03.

Conditions:
ADGRV1-related disorder. Also called: ADGRV1-related condition; ADGRV1-related disorders.

Allele frequency attached by ClinVar (database versions not stated): ExAC 0.00002; gnomAD exomes 0.00002.
gnomAD v4.1: 14 of 1,613,994 alleles (0.00087%); highest among the groups gnomAD compares: East Asian, 0.027%; no homozygotes.

Submissions (2):

PreventionGenetics, part of Exact Sciences
Classification: Likely benign for ADGRV1-related condition. Last evaluated: 2026-03-03. Review status: criteria provided, single submitter. Criteria: ACMG Guidelines, 2015. Collection method: clinical testing. Allele origin: germline.
Comment: This variant is classified as likely benign based on ACMG/AMP sequence variant interpretation guidelines (Richards et al. 2015 PMID: 25741868, with internal and published modifications).

Labcorp Genetics (formerly Invitae), Labcorp
Classification: Likely benign. Last evaluated: 2023-06-16. Review status: criteria provided, single submitter. Criteria: Invitae Variant Classification Sherloc (09022015). Collection method: clinical testing. Allele origin: germline.